The following is an entry in ClinVar:

ClinVar aggregate classification (germline): Uncertain significance (1 of 4 stars; one submission).

Conditions:
Cardiovascular phenotype. Identifiers: MedGen CN230736.

Submission:

Ambry Genetics
Classification: Uncertain significance for Cardiovascular phenotype. Last evaluated: 2024-05-06. Review status: criteria provided, single submitter. Criteria: Ambry Variant Classification Scheme 2023. Collection method: clinical testing. Allele origin: germline.
Comment: The p.Q91K variant (also known as c.271C>A), located in coding exon 1 of the GATA4 gene, results from a C to A substitution at nucleotide position 271. The glutamine at codon 91 is replaced by lysine, an amino acid with similar properties. This amino acid position is conserved. In addition, the in silico prediction for this alteration is inconclusive. Based on the available evidence, the clinical significance of this variant remains unclear.

NM_001308093.3(GATA4):c.271C>A (p.Gln91Lys)

Gene: GATA4 (GATA binding protein 4). Cytogenetic location: 8p23.1.
Variant type: single nucleotide variant.
Coding change: c.271C>A on transcript NM_001308093.3 (MANE Select); coding-DNA position 271, C replaced by A.
Protein change: p.Gln91Lys; replaces glutamine 91 with lysine.
Molecular consequence: missense variant. On other transcripts: intron variant (3).
Genome position (GRCh38, 1-based): chr8:11,708,583, C>A. VCF-style: chr8-11708583-C-A. GRCh37 (hg19) VCF-style: chr8-11566092-C-A.
Other names: c.271C>A, p.Gln91Lys (NM_002052.5); c.-6+7805C>A (NM_001308094.2); c.-3+569C>A (NM_001374274.1); c.-3+4279C>A (NM_001374273.1); short protein forms Q91K.
Identifiers: ClinVar variation 3280851 (VCV003280851.1).